The following is an entry in ClinVar:

ClinVar aggregate classification (germline): Uncertain significance. Review status: criteria provided, multiple submitters, no conflicts (2 of 4 stars). 3 submissions from 3 submitters: Uncertain significance (3). Last evaluated 2025-12-03.

Conditions:
Fanconi anemia complementation group E (FANCE). Also called: FANCE-Related Fanconi Anemia. Identifiers: Orphanet 84, MedGen C3160739, MONDO:0010953, OMIM 600901.

Allele frequency attached by ClinVar (database versions not stated): gnomAD 0.00006 and 0.00010; TOPMed 0.00006.

Submissions (3):

GeneDx
Classification: Uncertain significance. Last evaluated: 2025-12-03. Review status: criteria provided, single submitter. Criteria: GeneDx Variant Classification Process June 2021. Collection method: clinical testing. Allele origin: germline. Affected: yes.
Comment: In silico analysis suggests that this missense variant does not alter protein structure/function; This variant is associated with the following publications: (PMID: 36622392)

Labcorp Genetics (formerly Invitae), Labcorp
Classification: Uncertain significance for Fanconi anemia complementation group E. Last evaluated: 2024-09-28. Review status: criteria provided, single submitter. Criteria: Invitae Variant Classification Sherloc (09022015). Collection method: clinical testing. Allele origin: germline.
Comment: This sequence change replaces arginine, which is basic and polar, with tryptophan, which is neutral and slightly polar, at codon 106 of the FANCE protein (p.Arg106Trp). The frequency data for this variant in the population databases is considered unreliable, as metrics indicate poor data quality at this position in the gnomAD database. This missense change has been observed in individual(s) with aplastic anemia (PMID: 36622392). ClinVar contains an entry for this variant (Variation ID: 539296). Invitae Evidence Modeling of protein sequence and biophysical properties (such as structural, functional, and spatial information, amino acid conservation, physicochemical variation, residue mobility, and thermodynamic stability) indicates that this missense variant is not expected to disrupt FANCE protein function with a negative predictive value of 80%. In summary, the available evidence is currently insufficient to determine the role of this variant in disease. Therefore, it has been classified as a Variant of Uncertain Significance.

Fulgent Genetics
Classification: Uncertain significance for Fanconi anemia complementation group E. Last evaluated: 2024-04-02. Review status: criteria provided, single submitter. Criteria: ACMG Guidelines, 2015. Collection method: clinical testing. Allele origin: germline.

Literature cited by the submitters: PubMed 36622392 (cited by Labcorp Genetics (formerly Invitae), Labcorp).

NM_021922.3(FANCE):c.316C>T (p.Arg106Trp)

Gene: FANCE (FA complementation group E; plus strand). Cytogenetic location: 6p21.31.
Variant type: single nucleotide variant.
Coding change: c.316C>T on transcript NM_021922.3 (MANE Select); coding-DNA position 316, C replaced by T.
Protein change: p.Arg106Trp; replaces arginine 106 with tryptophan.
Molecular consequence: missense variant.
Genome position (GRCh38, 1-based): chr6:35,455,814, C>T. VCF-style: chr6-35455814-C-T. GRCh37 (hg19) VCF-style: chr6-35423591-C-T.
Other names: short protein forms R106W.
Identifiers: ClinVar variation 539296 (VCV000539296.13), dbSNP rs759034838, ClinGen allele CA3771383.
Genomic context (GRCh38, chr6:35,455,814, plus strand): 5'-CTGTTGCTGCGATTGCCCCGGATATGCCAGAGGAACCTGATGTCCCTGCTGATGGCCGTT[C>T]GGCCATCGCTGCCGGAAAGTGGGCTCCTCTCTGTGCTGCAGATTGCCCAGCAGGACCTAG-3'
Protein context (NP_068741.1, residues 96-116): RNLMSLLMAV[Arg106Trp]PSLPESGLLS